The following is an entry in ClinVar:

ClinVar aggregate classification (germline): Uncertain significance. Review status: criteria provided, multiple submitters, no conflicts (2 of 4 stars). 5 submissions from 5 submitters: Uncertain significance (5). Last evaluated 2026-06-09.

Conditions:
Cardiovascular phenotype. Identifiers: MedGen CN230736.
Dilated cardiomyopathy 1JJ (CMD1JJ). Identifiers: Orphanet 154, MedGen C3808935, MONDO:0014095, OMIM 615235.

Allele frequency attached by ClinVar (database versions not stated): gnomAD exomes 0.00002 and 0.00004; TOPMed 0.00002; gnomAD 0.00003; ExAC 0.00004.
gnomAD v4.1: 41 of 1,607,054 alleles (0.0026%); highest among the groups gnomAD compares: South Asian, 0.023%; no homozygotes.

Submissions (5):

Women's Health and Genetics/Laboratory Corporation of America, LabCorp
Classification: Uncertain significance. Last evaluated: 2026-06-09. Review status: criteria provided, single submitter. Criteria: LabCorp Variant Classification Summary - May 2015. Collection method: clinical testing. Allele origin: germline.
Comment: Variant summary: LAMA4 c.1057G>A (p.Val353Ile) results in a conservative amino acid change in the encoded protein sequence. Algorithms developed to predict the effect of missense changes on protein structure and function all suggest that this variant is likely to be tolerated. The variant allele was found at a frequency of 3.6e-05 in 251372 control chromosomes. The available data on variant occurrences in the general population are insufficient to allow any conclusion about variant significance. To our knowledge, no occurrence of c.1057G>A in individuals affected with LAMA4-related conditions and no experimental evidence demonstrating its impact on protein function have been reported. ClinVar contains an entry for this variant (Variation ID: 854107). Based on the evidence outlined above, the variant was classified as uncertain significance.

GeneDx
Classification: Uncertain significance. Last evaluated: 2026-02-25. Review status: criteria provided, single submitter. Criteria: GeneDx Variant Classification Process June 2021. Collection method: clinical testing. Allele origin: germline.
Comment: In silico analysis suggests that this missense variant does not alter protein structure/function; Has not been previously published as pathogenic or benign to our knowledge

Labcorp Genetics (formerly Invitae), Labcorp
Classification: Uncertain significance for Dilated cardiomyopathy 1JJ. Last evaluated: 2024-11-19. Review status: criteria provided, single submitter. Criteria: Invitae Variant Classification Sherloc (09022015). Collection method: clinical testing. Allele origin: germline.
Comment: This sequence change replaces valine, which is neutral and non-polar, with isoleucine, which is neutral and non-polar, at codon 346 of the LAMA4 protein (p.Val346Ile). This variant is present in population databases (rs781919461, gnomAD 0.02%). This variant has not been reported in the literature in individuals affected with LAMA4-related conditions. ClinVar contains an entry for this variant (Variation ID: 854107). Invitae Evidence Modeling of protein sequence and biophysical properties (such as structural, functional, and spatial information, amino acid conservation, physicochemical variation, residue mobility, and thermodynamic stability) indicates that this missense variant is not expected to disrupt LAMA4 protein function with a negative predictive value of 80%. In summary, the available evidence is currently insufficient to determine the role of this variant in disease. Therefore, it has been classified as a Variant of Uncertain Significance.

Ambry Genetics
Classification: Uncertain significance for Cardiovascular phenotype. Last evaluated: 2022-08-07. Review status: criteria provided, single submitter. Criteria: Ambry Variant Classification Scheme 2023. Collection method: clinical testing. Allele origin: germline.
Comment: The p.V346I variant (also known as c.1036G>A), located in coding exon 8 of the LAMA4 gene, results from a G to A substitution at nucleotide position 1036. The valine at codon 346 is replaced by isoleucine, an amino acid with highly similar properties. This amino acid position is conserved. In addition, this alteration is predicted to be tolerated by in silico analysis. Since supporting evidence is limited at this time, the clinical significance of this alteration remains unclear.

Fulgent Genetics
Classification: Uncertain significance for Dilated cardiomyopathy 1JJ. Last evaluated: 2021-08-20. Review status: criteria provided, single submitter. Criteria: ACMG Guidelines, 2015. Collection method: clinical testing. Allele origin: unknown.

NM_001105206.3(LAMA4):c.1057G>A (p.Val353Ile)

Gene: LAMA4 (laminin subunit alpha 4; minus strand). Cytogenetic location: 6q21.
Variant type: single nucleotide variant.
Coding change: c.1057G>A on transcript NM_001105206.3 (MANE Select); coding-DNA position 1057, G replaced by A.
Protein change: p.Val353Ile; replaces valine 353 with isoleucine.
Molecular consequence: missense variant.
Genome position (GRCh38, 1-based): chr6:112,185,257, C>T on the plus strand (G>A on the coding strand, the complement: LAMA4 is on the minus strand). VCF-style: chr6-112185257-C-T. GRCh37 (hg19) VCF-style: chr6-112506459-C-T.
Other names: c.1036G>A, p.Val346Ile (NM_001105207.3, NM_002290.5); short protein forms V346I, V353I.
Identifiers: ClinVar variation 854107 (VCV000854107.14), dbSNP rs781919461, ClinGen allele CA3965915.